The following is an entry in ClinVar:

ClinVar aggregate classification (germline): Uncertain significance (1 of 4 stars; one submission).

gnomAD v4.1: 4 of 1,613,264 alleles (0.00025%); highest among the groups gnomAD compares: African/African-American, 0.0027%; no homozygotes.

Submission:

Labcorp Genetics (formerly Invitae), Labcorp
Classification: Uncertain significance. Last evaluated: 2022-03-18. Review status: criteria provided, single submitter. Criteria: Invitae Variant Classification Sherloc (09022015). Collection method: clinical testing. Allele origin: germline.
Comment: This variant has not been reported in the literature in individuals affected with ABCC6-related conditions. In summary, the available evidence is currently insufficient to determine the role of this variant in disease. Therefore, it has been classified as a Variant of Uncertain Significance. Advanced modeling of protein sequence and biophysical properties (such as structural, functional, and spatial information, amino acid conservation, physicochemical variation, residue mobility, and thermodynamic stability) performed at Invitae indicates that this missense variant is expected to disrupt ABCC6 protein function. This variant is present in population databases (rs374451029, gnomAD 0.003%). This sequence change replaces arginine, which is basic and polar, with proline, which is neutral and non-polar, at codon 1030 of the ABCC6 protein (p.Arg1030Pro).

NM_001171.6(ABCC6):c.3089G>C (p.Arg1030Pro)

Gene: ABCC6 (ATP binding cassette subfamily C member 6; minus strand). Cytogenetic location: 16p13.11.
Variant type: single nucleotide variant.
Coding change: c.3089G>C on transcript NM_001171.6 (MANE Select); coding-DNA position 3089, G replaced by C.
Protein change: p.Arg1030Pro; replaces arginine 1030 with proline.
Molecular consequence: missense variant. On other transcripts: non-coding transcript variant (1).
Genome position (GRCh38, 1-based): chr16:16,165,840, C>G on the plus strand (G>C on the coding strand, the complement: ABCC6 is on the minus strand). VCF-style: chr16-16165840-C-G. GRCh37 (hg19) VCF-style: chr16-16259697-C-G.
Other names: c.2747G>C, p.Arg916Pro (NM_001351800.1); short protein forms R916P, R1030P.
Identifiers: ClinVar variation 2067929 (VCV002067929.4), dbSNP rs374451029, ClinGen allele CA7925692.